The following is an entry in ClinVar:

ClinVar aggregate classification (germline): Uncertain significance (1 of 4 stars; one submission).

Conditions:
SEMA3G-related disorder. Also called: SEMA3G-related condition.

gnomAD v4.1: 7 of 1,606,032 alleles (0.00044%); highest among the groups gnomAD compares: Non-Finnish European, 0.00059%; no homozygotes.

Submission:

PreventionGenetics, part of Exact Sciences
Classification: Uncertain significance for SEMA3G-related condition. Last evaluated: 2026-08-20. Review status: criteria provided, single submitter. Criteria: ACMG Guidelines, 2015. Collection method: clinical testing. Allele origin: germline.
Comment: The SEMA3G c.910A>G variant is predicted to result in the amino acid substitution p.Thr304Ala. To our knowledge, this variant has not been reported in the literature or in a large population database (gnomAD), indicating this variant is rare. At this time, the clinical significance of this variant is uncertain due to the absence of conclusive functional and genetic evidence.

NM_020163.3(SEMA3G):c.910A>G (p.Thr304Ala)

Gene: SEMA3G (semaphorin 3G; minus strand). Cytogenetic location: 3p21.1.
Variant type: single nucleotide variant.
Coding change: c.910A>G on transcript NM_020163.3 (MANE Select); coding-DNA position 910, A replaced by G.
Protein change: p.Thr304Ala; replaces threonine 304 with alanine.
Molecular consequence: missense variant.
Genome position (GRCh38, 1-based): chr3:52,440,952, T>C on the plus strand (A>G on the coding strand, the complement: SEMA3G is on the minus strand). VCF-style: chr3-52440952-T-C. GRCh37 (hg19) VCF-style: chr3-52474968-T-C.
Other names: short protein forms T304A.
Identifiers: ClinVar variation 4991272 (VCV004991272.1).
Genomic context (GRCh38, chr3:52,440,952, plus strand): 5'-TCCCCACTCCCGAGCCCTAGGCCTGCTTGGCCAGGCCCTCACCTAGCTGGTCAAAGTGGG[T>C]CTCGGCACCACCAGGGCCGGGCACCGAGCAGACCAGCCTGGCCTTGAGGAAAGTGCTCCA-3'
Protein context (NP_064548.1, residues 294-314): CSVPGPGGAE[Thr304Ala]HFDQLEDVFL